The following is an entry in ClinVar:

NM_017780.4(CHD7):c.3386A>C (p.Lys1129Thr)

Gene: CHD7 (chromodomain helicase DNA binding protein 7; plus strand). Cytogenetic location: 8q12.2.
Variant type: single nucleotide variant.
Coding change: c.3386A>C on transcript NM_017780.4 (MANE Select); coding-DNA position 3386, A replaced by C.
Protein change: p.Lys1129Thr; replaces lysine 1129 with threonine.
Molecular consequence: missense variant. On other transcripts: intron variant (1).
Genome position (GRCh38, 1-based): chr8:60,828,670, A>C. VCF-style: chr8-60828670-A-C. GRCh37 (hg19) VCF-style: chr8-61741229-A-C.
Other names: c.1717-33559A>C (NM_001316690.1); short protein forms K1129T.
Identifiers: ClinVar variation 4746291 (VCV004746291.1).

ClinVar aggregate classification (germline): Uncertain significance (1 of 4 stars; one submission).

Conditions:
CHARGE syndrome (CHARGE). Also called: Hittner Hirsch Kreh syndrome; CHARGE ASSOCIATION--COLOBOMA, HEART ANOMALY, CHOANAL ATRESIA, RETARDATION, GENITAL AND EAR ANOMALIES; Coloboma, heart anomaly, choanal atresia, retardation, genital and ear anomalies; CHARGE association; Hall-Hittner syndrome. Identifiers: Orphanet 138, MedGen C0265354, MONDO:0008965.

Submission:

Labcorp Genetics (formerly Invitae), Labcorp
Classification: Uncertain significance for CHARGE syndrome. Last evaluated: 2025-02-20. Review status: criteria provided, single submitter. Criteria: Invitae Variant Classification Sherloc (09022015). Collection method: clinical testing. Allele origin: germline.
Comment: This sequence change replaces lysine, which is basic and polar, with threonine, which is neutral and polar, at codon 1129 of the CHD7 protein (p.Lys1129Thr). This variant is not present in population databases (gnomAD no frequency). This variant has not been reported in the literature in individuals affected with CHD7-related conditions. Invitae Evidence Modeling of protein sequence and biophysical properties (such as structural, functional, and spatial information, amino acid conservation, physicochemical variation, residue mobility, and thermodynamic stability) indicates that this missense variant is expected to disrupt CHD7 protein function with a positive predictive value of 80%. In summary, the available evidence is currently insufficient to determine the role of this variant in disease. Therefore, it has been classified as a Variant of Uncertain Significance.